The following is an entry in ClinVar:

ClinVar aggregate classification (germline): Pathogenic/Likely pathogenic. Review status: criteria provided, multiple submitters, no conflicts (2 of 4 stars). 3 submissions from 3 submitters: Pathogenic (1); Likely pathogenic (2). Last evaluated 2024-08-20.

Conditions:
Glycogen storage disease, type II (IOPD). Also called: POMPE DISEASE, INFANTILE-ONSET; GLYCOGEN STORAGE DISEASE II, INFANTILE-ONSET; ACID ALPHA-GLUCOSIDASE DEFICIENCY, INFANTILE-ONSET; GAA DEFICIENCY, INFANTILE-ONSET; ACID MALTASE DEFICIENCY, INFANTILE-ONSET; Glucosidase acid-1,4-alpha deficiency. Identifiers: Orphanet 365, MedGen C0017921, MONDO:0009290, OMIM 232300.

Submissions (3):

Natera, Inc.
Classification: Likely pathogenic for Glycogen storage disease type II. Last evaluated: 2024-08-20. Review status: criteria provided, single submitter. Criteria: Natera Variant Classification Schema (03/2026). Collection method: clinical testing. Allele origin: germline.
Comment: The c.282del variant in GAA is a frameshift variant predicted to shift the reading frame beginning at codon 95 and leads to a stop codon 47 codons downstream. This variant is expected to result in nonsense mediated decay, truncation, or a dysfunctional protein product. This variant is rare in the general population with a frequency below the threshold expected for the associated phenotype(s). Given the available evidence, this variant is classified as Likely Pathogenic.

Baylor Genetics
Classification: Likely pathogenic for Glycogen storage disease, type II. Last evaluated: 2024-03-27. Review status: criteria provided, single submitter. Criteria: ACMG Guidelines, 2015. Collection method: clinical testing. Allele origin: unknown.

Labcorp Genetics (formerly Invitae), Labcorp
Classification: Pathogenic for Glycogen storage disease, type II. Last evaluated: 2020-09-25. Review status: criteria provided, single submitter. Criteria: Invitae Variant Classification Sherloc (09022015). Collection method: clinical testing. Allele origin: germline.
Comment: This sequence change creates a premature translational stop signal (p.Asp95Thrfs*47) in the GAA gene. It is expected to result in an absent or disrupted protein product. This variant is not present in population databases (ExAC no frequency). This variant has not been reported in the literature in individuals with GAA-related conditions. Loss-of-function variants in GAA are known to be pathogenic (PMID: 18425781, 22252923). For these reasons, this variant has been classified as Pathogenic.

Literature cited by the submitters: PubMed 18425781 (cited by Labcorp Genetics (formerly Invitae), Labcorp); PubMed 22252923 (cited by Labcorp Genetics (formerly Invitae), Labcorp).

NM_000152.5(GAA):c.282del (p.Asp95fs)

Gene: GAA (alpha glucosidase; plus strand). Cytogenetic location: 17q25.3.
Variant type: Deletion.
Coding change: c.282del on transcript NM_000152.5 (MANE Select); coding-DNA position 282, one base deleted (T; older notation c.282delT).
Protein change: p.Asp95fs; shifts the reading frame from aspartic acid 95.
Molecular consequence: frameshift variant.
Genome position (GRCh38, 1-based): chr17:80,104,868, T deleted. VCF-style (leftmost placement, unchanged base first): chr17-80104867-CT-C. GRCh37 (hg19) VCF-style: chr17-78078666-CT-C.
Other names: c.282del (NM_000152.4); c.282del, p.Asp95fs (NM_001079803.3, NM_001079804.3); short protein forms D95fs.
Identifiers: ClinVar variation 1073996 (VCV001073996.9), dbSNP rs2143826963, ClinGen allele CA2499224998.